The following is an entry in ClinVar:

ClinVar aggregate classification (germline): Uncertain significance (1 of 4 stars; one submission).

Conditions:
Hereditary cancer-predisposing syndrome. Also called: Hereditary Cancer Syndrome; Hereditary neoplastic syndrome; Neoplastic Syndromes, Hereditary; Tumor predisposition. Identifiers: Orphanet 140162, MedGen C0027672, MeSH D009386, MONDO:0015356.

Submission:

Ambry Genetics
Classification: Uncertain significance for Hereditary cancer-predisposing syndrome. Last evaluated: 2022-02-05. Review status: criteria provided, single submitter. Criteria: Ambry Variant Classification Scheme 2023. Collection method: clinical testing. Allele origin: germline.
Comment: The p.T1449P variant (also known as c.4345A>C), located in coding exon 11 of the BRCA1 gene, results from an A to C substitution at nucleotide position 4345. The threonine at codon 1449 is replaced by proline, an amino acid with highly similar properties. This amino acid position is conserved. In addition, this alteration is predicted to be tolerated by in silico analysis. Since supporting evidence is limited at this time, the clinical significance of this alteration remains unclear.

NM_007294.4(BRCA1):c.4345A>C (p.Thr1449Pro)

Gene: BRCA1 (BRCA1 DNA repair associated; minus strand). Cytogenetic location: 17q21.31.
Variant type: single nucleotide variant.
Coding change: c.4345A>C on transcript NM_007294.4 (MANE Select); coding-DNA position 4345, A replaced by C.
Protein change: p.Thr1449Pro; replaces threonine 1449 with proline.
Molecular consequence: missense variant. On other transcripts: non-coding transcript variant (1).
Genome position (GRCh38, 1-based): chr17:43,082,416, T>G on the plus strand (A>C on the coding strand, the complement: BRCA1 is on the minus strand). VCF-style: chr17-43082416-T-G. GRCh37 (hg19) VCF-style: chr17-41234433-T-G.
Other names: c.4264A>C, p.Thr1422Pro (NM_001407662.1, NM_001407663.1, NM_001407656.1 and 1 more transcripts); c.4222A>C, p.Thr1408Pro (NM_001407666.1, NM_001407668.1, NM_001407669.1 and 13 more transcripts); c.4204A>C, p.Thr1402Pro (NM_001407942.1, NM_001407944.1, NM_001407945.1 and 23 more transcripts); c.4201A>C, p.Thr1401Pro (NM_001407943.1, NM_001407964.1, NM_001407740.1 and 23 more transcripts); c.4012A>C, p.Thr1338Pro (NM_001407946.1, NM_001407947.1, NM_001407948.1 and 3 more transcripts); c.4009A>C, p.Thr1337Pro (NM_001407952.1, NM_001407953.1, NM_001407954.1 and 3 more transcripts); c.4006A>C, p.Thr1336Pro (NM_001407956.1); c.3964A>C, p.Thr1322Pro (NM_001407959.1, NM_001407960.1); and 51 more; short protein forms T1280P, T1361P, T1381P, T1382P, T1400P, T178P, T218P, T235P.
Identifiers: ClinVar variation 1739880 (VCV001739880.2), dbSNP rs2154145308, ClinGen allele CA10593034.